The following is an entry in ClinVar:

NM_001904.4(CTNNB1):c.1571A>G (p.His524Arg)

Genes: CTNNB1 (catenin beta 1; plus strand), LOC126806659 (BRD4-independent group 4 enhancer GRCh37_chr3:41274918-41276117; plus strand). Cytogenetic location: 3p22.1.
Variant type: single nucleotide variant.
Coding change: c.1571A>G on transcript NM_001904.4 (MANE Select); coding-DNA position 1571, A replaced by G.
Protein change: p.His524Arg; replaces histidine 524 with arginine.
Molecular consequence: missense variant.
Genome position (GRCh38, 1-based): chr3:41,234,185, A>G. VCF-style: chr3-41234185-A-G. GRCh37 (hg19) VCF-style: chr3-41275676-A-G.
Other names: c.1571A>G, p.His524Arg (NM_001098209.2, NM_001098210.2); c.1550A>G, p.His517Arg (NM_001330729.2); short protein forms H517R, H524R.
Identifiers: ClinVar variation 1403921 (VCV001403921.8), dbSNP rs1376864427, ClinGen allele CA352234142.
Genomic context (GRCh38, chr3:41,234,185, plus strand): 5'-CTTCTGTTTTTCAGGCTACTGTTGGATTGATTCGAAATCTTGCCCTTTGTCCCGCAAATC[A>G]TGCACCTTTGCGTGAGCAGGGTGCCATTCCACGACTAGTTCAGTTGCTTGTTCGTGCACA-3'
Protein context (NP_001895.1, residues 514-534): IRNLALCPAN[His524Arg]APLREQGAIP

ClinVar aggregate classification (germline): Uncertain significance. Review status: criteria provided, multiple submitters, no conflicts (2 of 4 stars). 3 submissions from 3 submitters: Uncertain significance (3). Last evaluated 2024-09-27.

Conditions:
Pilomatrixoma (PTR). Also called: EPITHELIOMA CALCIFICANS OF MALHERBE; PILOMATRICOMA; Pilomatricoma, somatic. Identifiers: Orphanet 91414, MedGen C0206711, MeSH D018296, MONDO:0007564, OMIM 132600, HP:0030434.
Severe intellectual disability-progressive spastic diplegia syndrome (NEDSDV). Also called: NEURODEVELOPMENTAL DISORDER WITH SPASTIC DIPLEGIA AND VISUAL DEFECTS; CTNNB1 Neurodevelopmental Disorder. Identifiers: Orphanet 404473, MedGen C3554449, MONDO:0014035, OMIM 615075.
Ovarian neoplasm. Also called: Neoplasm of ovary; Ovarian tumor; Ovarian Neoplasms. Identifiers: MedGen C0919267, MeSH D010051, MONDO:0021068, HP:0100615.
Exudative vitreoretinopathy 7. Identifiers: MedGen C4539767, MONDO:0033123, OMIM 617572.
Colorectal cancer. Also called: Malignant Colorectal Neoplasm; Colorectal cancer, somatic. Identifiers: MedGen C0346629, MONDO:0005575, OMIM 114500.
Medulloblastoma (MDB). Also called: Medulloblastoma, somatic; MEDULLOBLASTOMA PREDISPOSITION SYNDROME. Identifiers: Orphanet 616, MedGen C0025149, MeSH D008527, MONDO:0007959, OMIM 155255, HP:0002885.
Hepatocellular carcinoma (HCC). Also called: HEPATOMA; LIVER CELL CARCINOMA; Primary carcinoma of liver. Identifiers: Orphanet 88673, MedGen C2239176, MONDO:0007256, OMIM 114550, HP:0001402.

Allele frequency attached by ClinVar (database versions not stated): gnomAD exomes below 0.00001.
gnomAD v4.1: 4 of 1,614,198 alleles (0.00025%); highest among the groups gnomAD compares: Admixed American, 0.005%; no homozygotes.

Submissions (3):

Labcorp Genetics (formerly Invitae), Labcorp
Classification: Uncertain significance. Last evaluated: 2024-09-27. Review status: criteria provided, single submitter. Criteria: Invitae Variant Classification Sherloc (09022015). Collection method: clinical testing. Allele origin: germline.
Comment: This sequence change replaces histidine, which is basic and polar, with arginine, which is basic and polar, at codon 524 of the CTNNB1 protein (p.His524Arg). This variant is present in population databases (no rsID available, gnomAD 0.003%). This variant has not been reported in the literature in individuals affected with CTNNB1-related conditions. ClinVar contains an entry for this variant (Variation ID: 1403921). Invitae Evidence Modeling of protein sequence and biophysical properties (such as structural, functional, and spatial information, amino acid conservation, physicochemical variation, residue mobility, and thermodynamic stability) has been performed for this missense variant. However, the output from this modeling did not meet the statistical confidence thresholds required to predict the impact of this variant on CTNNB1 protein function. In summary, the available evidence is currently insufficient to determine the role of this variant in disease. Therefore, it has been classified as a Variant of Uncertain Significance.

Clinical Genomics Laboratory, Washington University in St. Louis
Classification: Uncertain significance for Severe intellectual disability-progressive spastic diplegia syndrome. Last evaluated: 2023-09-08. Review status: criteria provided, single submitter. Criteria: ACMG Guidelines, 2015. Collection method: clinical testing. Allele origin: germline.
Comment: The CTNNB1 c.1571A>G (p.His524Arg) missense variant was identified at near heterozygous allelic fraction. This variant, to our knowledge, has not been reported in the medical literature and it is absent from the general population (gnomAD v.3.1.2), indicating it is not a common variant. Computational predictors are uncertain as to the impact of this variant on CTNNB1 function. This variant has been reported in the ClinVar database as a germline variant of uncertain significant by 1 submitter (ClinVar ID: 1403921). Based on available information, and based on ACMG/AMP guidelines for variant interpretation (Richards S et al., PMID: 25741868) the CTNNB1 c.1571A>G (p.His524Arg) variant is classified as a variant of uncertain significance (VUS).

Fulgent Genetics
Classification: Uncertain significance for Colorectal cancer; Hepatocellular carcinoma; Pilomatrixoma; Medulloblastoma; Ovarian cancer; Severe intellectual disability-progressive spastic diplegia syndrome; Exudative vitreoretinopathy 7. Last evaluated: 2021-09-10. Review status: criteria provided, single submitter. Criteria: ACMG Guidelines, 2015. Collection method: clinical testing. Allele origin: unknown.